The following is an entry in ClinVar:

ClinVar aggregate classification (germline): Benign. Review status: criteria provided, multiple submitters, no conflicts (2 of 4 stars). 3 submissions from 3 submitters: Benign (2). 1 of the submissions does not count toward it. Last evaluated 2019-12-31.

Conditions:
CELSR1-related disorder. Also called: CELSR1-related condition.

Allele frequency attached by ClinVar (database versions not stated): gnomAD exomes 0.00164 and 0.00429; ExAC 0.00553; 1000 Genomes Project 0.01558; gnomAD 0.01617 and 0.01752; 1000 Genomes Project 30x 0.01640; TOPMed 0.01787; ESP Exome Variant Server 0.01930.
gnomAD v4.1: 4,991 of 1,609,114 alleles (0.31%); highest among the groups gnomAD compares: African/African-American, 5.6%; 127 homozygotes.

Submissions (3):

Labcorp Genetics (formerly Invitae), Labcorp
Classification: Benign. Last evaluated: 2019-12-31. Review status: criteria provided, single submitter. Criteria: Invitae Variant Classification Sherloc (09022015). Collection method: clinical testing. Allele origin: germline.

Breakthrough Genomics
Classification: Benign. Review status: criteria provided, single submitter. Criteria: ACMG Guidelines, 2015. Collection method: not provided. Allele origin: germline. Inheritance: Autosomal dominant inheritance. Affected: yes.

PreventionGenetics, part of Exact Sciences
Classification: Benign for CELSR1-related condition. Last evaluated: 2019-10-29. Review status: no assertion criteria provided. Collection method: clinical testing. Allele origin: germline. Not counted in ClinVar's aggregate classification.
Comment: This variant is classified as benign based on ACMG/AMP sequence variant interpretation guidelines (Richards et al. 2015 PMID: 25741868, with internal and published modifications).

NM_001378328.1(CELSR1):c.1759A>G (p.Ile587Val)

Gene: CELSR1 (cadherin EGF LAG seven-pass G-type receptor 1; minus strand). Cytogenetic location: 22q13.31.
Variant type: single nucleotide variant.
Coding change: c.1759A>G on transcript NM_001378328.1 (MANE Select); coding-DNA position 1759, A replaced by G.
Protein change: p.Ile587Val; replaces isoleucine 587 with valine.
Molecular consequence: missense variant.
Genome position (GRCh38, 1-based): chr22:46,535,412, T>C on the plus strand (A>G on the coding strand, the complement: CELSR1 is on the minus strand). VCF-style: chr22-46535412-T-C. GRCh37 (hg19) VCF-style: chr22-46931309-T-C.
Other names: c.1759A>G, p.Ile587Val (NM_014246.4); short protein forms I587V.
Identifiers: ClinVar variation 777760 (VCV000777760.7), dbSNP rs34141466, ClinGen allele CA10295416.